The following is an entry in ClinVar:

NM_001042492.3(NF1):c.1028T>C (p.Phe343Ser)

Gene: NF1 (neurofibromin 1; plus strand). Cytogenetic location: 17q11.2.
Variant type: single nucleotide variant.
Coding change: c.1028T>C on transcript NM_001042492.3 (MANE Select); coding-DNA position 1028, T replaced by C.
Protein change: p.Phe343Ser; replaces phenylalanine 343 with serine.
Molecular consequence: missense variant.
Genome position (GRCh38, 1-based): chr17:31,200,561, T>C. VCF-style: chr17-31200561-T-C. GRCh37 (hg19) VCF-style: chr17-29527579-T-C.
Other names: c.1028T>C, p.Phe343Ser (NM_001128147.3, NM_000267.4); short protein forms F343S.
Identifiers: ClinVar variation 5025576 (VCV005025576.1).

ClinVar aggregate classification (germline): Uncertain significance (1 of 4 stars; one submission).

Conditions:
Cardiovascular phenotype. Identifiers: MedGen CN230736.
Hereditary cancer-predisposing syndrome. Also called: Neoplastic Syndromes, Hereditary; Tumor predisposition; Hereditary neoplastic syndrome; Hereditary Cancer Syndrome. Identifiers: Orphanet 140162, MedGen C0027672, MeSH D009386, MONDO:0015356.

Submission:

Ambry Genetics
Classification: Uncertain significance for Cardiovascular phenotype; Hereditary cancer-predisposing syndrome. Last evaluated: 2026-07-18. Review status: criteria provided, single submitter. Criteria: Ambry Variant Classification Scheme 2023. Collection method: clinical testing. Allele origin: germline.
Comment: The p.F343S variant (also known as c.1028T>C), located in coding exon 9 of the NF1 gene, results from a T to C substitution at nucleotide position 1028. The phenylalanine at codon 343 is replaced by serine, an amino acid with highly dissimilar properties. This amino acid position is conserved. In addition, the in silico prediction for this alteration is inconclusive. Based on the available evidence, the clinical significance of this variant remains unclear.